The following is an entry in ClinVar:

ClinVar aggregate classification (germline): Pathogenic (1 of 4 stars; one submission).

Conditions:
Tay-Sachs disease (TSD). Also called: HEXA DEFICIENCY; GM2 gangliosidosis, type 1; Hexosaminidase alpha-subunit deficiency (variant B); Sphingolipidosis, Tay-Sachs; Hexosaminidase A Deficiency; HEXA Disorders. Identifiers: Orphanet 845, MedGen C0039373, MONDO:0010100, OMIM 272800.

Submission:

Labcorp Genetics (formerly Invitae), Labcorp
Classification: Pathogenic for Tay-Sachs disease. Last evaluated: 2022-01-03. Review status: criteria provided, single submitter. Criteria: Invitae Variant Classification Sherloc (09022015). Collection method: clinical testing. Allele origin: germline.
Comment: For these reasons, this variant has been classified as Pathogenic. This variant has not been reported in the literature in individuals affected with HEXA-related conditions. This variant is not present in population databases (gnomAD no frequency). This sequence change creates a premature translational stop signal (p.Glu352Profs*3) in the HEXA gene. It is expected to result in an absent or disrupted protein product. Loss-of-function variants in HEXA are known to be pathogenic (PMID: 1833974, 8490625).

Literature cited by the submitters: PubMed 1833974; PubMed 8490625.

NM_000520.6(HEXA):c.1053_1054delinsTCCAGCTTGA (p.Glu352delinsProAlaTer)

Gene: HEXA (hexosaminidase subunit alpha; minus strand). Cytogenetic location: 15q23.
Variant type: Indel.
Coding change: c.1053_1054delinsTCCAGCTTGA on transcript NM_000520.6 (MANE Select); coding-DNA positions 1053 to 1054, GG replaced by TCCAGCTTGA.
Protein change: p.Glu352delinsProAlaTer.
Molecular consequence: nonsense. On other transcripts: non-coding transcript variant (1).
Genome position (GRCh38, 1-based): chr15:72,348,067-72,348,068, CC replaced by TCAAGCTGGA on the plus strand (GG replaced by TCCAGCTTGA on the coding strand, the reverse complement: HEXA is on the minus strand). VCF-style: chr15-72348067-CC-TCAAGCTGGA. GRCh37 (hg19) VCF-style: chr15-72640408-CC-TCAAGCTGGA.
Other names: c.1086_1087delinsTCCAGCTTGA, p.Glu363delinsProAlaTer (NM_001318825.2).
Identifiers: ClinVar variation 2071424 (VCV002071424.4), dbSNP rs2542520322, ClinGen allele CA2580089956.
Genomic context (GRCh38, chr15:72,348,067, plus strand): 5'-GGACCCCCAAGGGACCCCACCCACCCTCCTTCCTTCCTCACGTCTGGATGTAGAAGGACT[CC>TCAAGCTGGA]AGCTGCTTGAAGTCCTCACCGAAGCCTTTCTTCCTCATAAAGTCCTGGATCTCTGGGTTG-3'